The following is an entry in ClinVar:

ClinVar aggregate classification (germline): Uncertain significance. Review status: criteria provided, multiple submitters, no conflicts (2 of 4 stars). 2 submissions from 2 submitters: Uncertain significance (2). Last evaluated 2025-11-19.

gnomAD v4.1: 29 of 1,614,038 alleles (0.0018%); highest among the groups gnomAD compares: African/African-American, 0.033%; no homozygotes.

Submissions (2):

Women's Health and Genetics/Laboratory Corporation of America, LabCorp
Classification: Uncertain significance. Last evaluated: 2025-11-19. Review status: criteria provided, single submitter. Criteria: LabCorp Variant Classification Summary - May 2015. Collection method: clinical testing. Allele origin: germline.
Comment: Variant summary: DCAF8 c.1256G>A (p.Ser419Asn) results in a conservative amino acid change in the encoded protein sequence. Algorithms developed to predict the effect of missense changes on protein structure and function are either unavailable or do not agree on the potential impact of this missense change. The variant allele was found at a frequency of 3.6e-05 in 251336 control chromosomes. The available data on variant occurrences in the general population are insufficient to allow any conclusion about variant significance. To our knowledge, no occurrence of c.1256G>A in individuals affected with DCAF8-related conditions and no experimental evidence demonstrating its impact on protein function have been reported. ClinVar contains an entry for this variant (Variation ID: 3838464). Based on the evidence outlined above, the variant was classified as uncertain significance.

Ambry Genetics
Classification: Uncertain significance. Last evaluated: 2025-02-01. Review status: criteria provided, single submitter. Criteria: Ambry Variant Classification Scheme 2023. Collection method: clinical testing. Allele origin: germline.

NM_015726.4(DCAF8):c.1256G>A (p.Ser419Asn)

Gene: DCAF8 (DDB1 and CUL4 associated factor 8; minus strand). Cytogenetic location: 1q23.2.
Variant type: single nucleotide variant.
Coding change: c.1256G>A on transcript NM_015726.4 (MANE Select); coding-DNA position 1256, G replaced by A.
Protein change: p.Ser419Asn; replaces serine 419 with asparagine.
Molecular consequence: missense variant. On other transcripts: non-coding transcript variant (2).
Genome position (GRCh38, 1-based): chr1:160,224,495, C>T on the plus strand (G>A on the coding strand, the complement: DCAF8 is on the minus strand). VCF-style: chr1-160224495-C-T. GRCh37 (hg19) VCF-style: chr1-160194285-C-T.
Other names: short protein forms S419N.
Identifiers: ClinVar variation 3838464 (VCV003838464.2).